The following is an entry in ClinVar:

NM_000059.4(BRCA2):c.9851G>C (p.Ser3284Thr)

Gene: BRCA2 (BRCA2 DNA repair associated; plus strand). Cytogenetic location: 13q13.1.
Variant type: single nucleotide variant.
Coding change: c.9851G>C on transcript NM_000059.4 (MANE Select); coding-DNA position 9851, G replaced by C.
Protein change: p.Ser3284Thr; replaces serine 3284 with threonine.
Molecular consequence: missense variant. On other transcripts: non-coding transcript variant (1).
Genome position (GRCh38, 1-based): chr13:32,398,364, G>C. VCF-style: chr13-32398364-G-C. GRCh37 (hg19) VCF-style: chr13-32972501-G-C.
Other names: c.9755G>C, p.Ser3252Thr (NM_001406719.1); c.9800G>C, p.Ser3267Thr (NM_001406720.1); c.4919G>C, p.Ser1640Thr (NM_001406721.1); c.3434G>C, p.Ser1145Thr (NM_001406722.1); c.9851G>C, p.Ser3284Thr (NM_001432077.1); short protein forms S1145T, S1640T, S3252T, S3267T, S3284T.
Identifiers: ClinVar variation 4802368 (VCV004802368.1).

ClinVar aggregate classification (germline): Uncertain significance (1 of 4 stars; one submission).

Conditions:
Hereditary breast ovarian cancer syndrome. Also called: Hereditary breast and ovarian cancer syndrome (HBOC); Hereditary breast and ovarian cancer; Breast and ovarian cancer; Hereditary breast and/or ovarian cancer syndrome; BRCA1- and BRCA2-Associated Hereditary Breast and Ovarian Cancer; Hereditary breast and ovarian cancer syndrome. Identifiers: Orphanet 145, MedGen C0677776, MeSH D061325, MONDO:0003582. Disease mechanism: loss of function.

Submission:

Labcorp Genetics (formerly Invitae), Labcorp
Classification: Uncertain significance for Hereditary breast ovarian cancer syndrome. Last evaluated: 2026-01-25. Review status: criteria provided, single submitter. Criteria: Invitae Variant Classification Sherloc (09022015). Collection method: clinical testing. Allele origin: germline.
Comment: This sequence change replaces serine, which is neutral and polar, with threonine, which is neutral and polar, at codon 3284 of the BRCA2 protein (p.Ser3284Thr). This variant is not present in population databases (gnomAD no frequency). This variant has not been reported in the literature in individuals affected with BRCA2-related conditions. Invitae Evidence Modeling of protein sequence and biophysical properties (such as structural, functional, and spatial information, amino acid conservation, physicochemical variation, residue mobility, and thermodynamic stability) indicates that this missense variant is not expected to disrupt BRCA2 protein function with a negative predictive value of 95%. In summary, the available evidence is currently insufficient to determine the role of this variant in disease. Therefore, it has been classified as a Variant of Uncertain Significance.